The following is an entry in ClinVar:

ClinVar aggregate classification (germline): Uncertain significance. Review status: criteria provided, multiple submitters, no conflicts (2 of 4 stars). 5 submissions from 5 submitters: Uncertain significance (5). Last evaluated 2025-09-25.

Conditions:
Hereditary cancer-predisposing syndrome. Also called: Hereditary neoplastic syndrome; Neoplastic Syndromes, Hereditary; Hereditary Cancer Syndrome; Tumor predisposition. Identifiers: Orphanet 140162, MedGen C0027672, MeSH D009386, MONDO:0015356.
Nijmegen breakage syndrome-like disorder (NBSLD). Also called: MICROCEPHALY AND SPONTANEOUS CHROMOSOME INSTABILITY WITHOUT IMMUNODEFICIENCY; NBS-LIKE DISORDER; RAD50 DEFICIENCY. Identifiers: Orphanet 240760, MedGen C2751318, MONDO:0013118, OMIM 613078.

Allele frequency attached by ClinVar (database versions not stated): gnomAD 0.00001 and 0.00002; gnomAD exomes 0.00002 and 0.00004; TOPMed 0.00003; ESP Exome Variant Server 0.00008.
gnomAD v4.1: 62 of 1,613,888 alleles (0.0038%); highest among the groups gnomAD compares: Non-Finnish European, 0.0052%; no homozygotes.

Submissions (5):

Labcorp Genetics (formerly Invitae), Labcorp
Classification: Uncertain significance for Hereditary cancer-predisposing syndrome. Last evaluated: 2025-09-25. Review status: criteria provided, single submitter. Criteria: Invitae Variant Classification Sherloc (09022015). Collection method: clinical testing. Allele origin: germline.
Comment: This sequence change replaces tyrosine, which is neutral and polar, with histidine, which is basic and polar, at codon 1104 of the RAD50 protein (p.Tyr1104His). This variant is present in population databases (rs147545169, gnomAD 0.003%). This variant has not been reported in the literature in individuals affected with RAD50-related conditions. ClinVar contains an entry for this variant (Variation ID: 128018). Invitae Evidence Modeling of protein sequence and biophysical properties (such as structural, functional, and spatial information, amino acid conservation, physicochemical variation, residue mobility, and thermodynamic stability) indicates that this missense variant is not expected to disrupt RAD50 protein function with a negative predictive value of 80%. In summary, the available evidence is currently insufficient to determine the role of this variant in disease. Therefore, it has been classified as a Variant of Uncertain Significance.

Ambry Genetics
Classification: Uncertain significance for Hereditary cancer-predisposing syndrome. Last evaluated: 2024-09-01. Review status: criteria provided, single submitter. Criteria: Ambry Variant Classification Scheme 2023. Collection method: clinical testing. Allele origin: germline.
Comment: The p.Y1104H variant (also known as c.3310T>C), located in coding exon 21 of the RAD50 gene, results from a T to C substitution at nucleotide position 3310. The tyrosine at codon 1104 is replaced by histidine, an amino acid with similar properties. This amino acid position is well conserved in available vertebrate species. In addition, this alteration is predicted to be tolerated by in silico analysis. Since supporting evidence is limited at this time, the clinical significance of this alteration remains unclear.

Baylor Genetics
Classification: Uncertain significance for Nijmegen breakage syndrome-like disorder. Last evaluated: 2023-12-18. Review status: criteria provided, single submitter. Criteria: ACMG Guidelines, 2015. Collection method: clinical testing. Allele origin: unknown.

GeneDx
Classification: Uncertain significance. Last evaluated: 2023-05-23. Review status: criteria provided, single submitter. Criteria: GeneDx Variant Classification Process June 2021. Collection method: clinical testing. Allele origin: germline. Affected: yes.
Comment: In silico analysis supports that this missense variant has a deleterious effect on protein structure/function; Has not been previously published as pathogenic or benign to our knowledge; Variants in candidate genes are classified as variants of uncertain significance in accordance with ACMG guidelines (Richards et al., 2015)

Quest Diagnostics Nichols Institute San Juan Capistrano
Classification: Uncertain significance. Last evaluated: 2022-11-01. Review status: criteria provided, single submitter. Criteria: Quest Diagnostics criteria. Collection method: clinical testing. Allele origin: unknown.
Comment: The frequency of this variant in the general population, 0.000026 (3/113624 chromosomes), is uninformative in assessment of its pathogenicity. In a large-scale breast cancer association study, the variant was observed in individuals with breast cancer as well as in unaffected individuals (PMID: 33471991 (2021), see also LOVD). Analysis of this variant using bioinformatics tools for the prediction of the effect of amino acid changes on protein structure and function yielded predictions that this variant is benign. Based on the available information, we are unable to determine the clinical significance of this variant.

Literature cited by the submitters: PubMed 33471991 (cited by Quest Diagnostics Nichols Institute San Juan Capistrano).

NM_005732.4(RAD50):c.3310T>C (p.Tyr1104His)

Gene: RAD50 (RAD50 double strand break repair protein; plus strand). Cytogenetic location: 5q31.1.
Variant type: single nucleotide variant.
Coding change: c.3310T>C on transcript NM_005732.4 (MANE Select); coding-DNA position 3310, T replaced by C.
Protein change: p.Tyr1104His; replaces tyrosine 1104 with histidine.
Molecular consequence: missense variant.
Genome position (GRCh38, 1-based): chr5:132,618,215, T>C. VCF-style: chr5-132618215-T-C. GRCh37 (hg19) VCF-style: chr5-131953907-T-C.
Other names: p.Y1104H:TAT>CAT; short protein forms Y1104H.
Identifiers: ClinVar variation 128018 (VCV000128018.18), dbSNP rs147545169, ClinGen allele CA288207.
Genomic context (GRCh38, chr5:132,618,215, plus strand): 5'-GAAATTATTCATTTTAAGAAAGAACTTCGAGAACCACAATTTCGGGATGCTGAGGAAAAG[T>C]ATAGAGAAATGATGATTGTTATGAGGACAACAGAACTTGTGAACAAGGATCTGGATATTT-3'
Protein context (NP_005723.2, residues 1094-1114): EPQFRDAEEK[Tyr1104His]REMMIVMRTT